The following is an entry in ClinVar:

NM_018418.5(SPATA7):c.401A>G (p.Asp134Gly)

Gene: SPATA7 (spermatogenesis associated 7; plus strand). Cytogenetic location: 14q31.3.
Variant type: single nucleotide variant.
Coding change: c.401A>G on transcript NM_018418.5 (MANE Select); coding-DNA position 401, A replaced by G.
Protein change: p.Asp134Gly; replaces aspartic acid 134 with glycine.
Molecular consequence: missense variant.
Genome position (GRCh38, 1-based): chr14:88,426,260, A>G. VCF-style: chr14-88426260-A-G. GRCh37 (hg19) VCF-style: chr14-88892604-A-G.
Other names: c.305A>G, p.Asp102Gly (NM_001040428.4); short protein forms D102G, D134G.
Identifiers: ClinVar variation 1379734 (VCV001379734.8), dbSNP rs2139995438, ClinGen allele CA390561350.

ClinVar aggregate classification (germline): Uncertain significance (1 of 4 stars; one submission).

Conditions:
Leber congenital amaurosis 3 (LCA3). Also called: SPATA7-Related Retinitis Pigmentosa. Identifiers: MedGen C1858677, MONDO:0011415, OMIM 604232.

Submission:

Labcorp Genetics (formerly Invitae), Labcorp
Classification: Uncertain significance for Leber congenital amaurosis 3. Last evaluated: 2021-02-02. Review status: criteria provided, single submitter. Criteria: Invitae Variant Classification Sherloc (09022015). Collection method: clinical testing. Allele origin: germline.
Comment: Algorithms developed to predict the effect of missense changes on protein structure and function output the following: SIFT: "Tolerated"; PolyPhen-2: "Benign"; Align-GVGD: "Class C0". The glycine amino acid residue is found in multiple mammalian species, suggesting that this missense change does not adversely affect protein function. These predictions have not been confirmed by published functional studies and their clinical significance is uncertain. In summary, the available evidence is currently insufficient to determine the role of this variant in disease. Therefore, it has been classified as a Variant of Uncertain Significance. This sequence change replaces aspartic acid with glycine at codon 134 of the SPATA7 protein (p.Asp134Gly). The aspartic acid residue is weakly conserved and there is a moderate physicochemical difference between aspartic acid and glycine. This variant is not present in population databases (ExAC no frequency). This variant has not been reported in the literature in individuals with SPATA7-related conditions.